The following is an entry in ClinVar:

NM_206926.2(SELENON):c.908+72A>G

Gene: SELENON (selenoprotein N; plus strand). Cytogenetic location: 1p36.11.
Variant type: single nucleotide variant.
Coding change: c.908+72A>G on transcript NM_206926.2 (MANE Select); 72 bases into the intron after coding-DNA position 908, A replaced by G.
Molecular consequence: intron variant.
Genome position (GRCh38, 1-based): chr1:25,809,892, A>G. VCF-style: chr1-25809892-A-G. GRCh37 (hg19) VCF-style: chr1-26136383-A-G.
Other names: c.1010+72A>G (NM_020451.3).
Identifiers: ClinVar variation 678967 (VCV000678967.2), dbSNP rs184840644, ClinGen allele CA19698589.

ClinVar aggregate classification (germline): Benign. Review status: criteria provided, multiple submitters, no conflicts (2 of 4 stars). 2 submissions from 2 submitters: Benign (2). Last evaluated 2018-06-14.

Allele frequency attached by ClinVar (database versions not stated): gnomAD exomes 0.00195; gnomAD 0.02081 and 0.01937; 1000 Genomes Project 30x 0.02374; 1000 Genomes Project 0.02177; TOPMed 0.02104.
gnomAD v4.1: 5,836 of 1,570,202 alleles (0.37%); highest among the groups gnomAD compares: African/African-American, 6.5%; 162 homozygotes.

Submissions (2):

GeneDx
Classification: Benign. Last evaluated: 2018-06-14. Review status: criteria provided, single submitter. Criteria: GeneDx Variant Classification (06012015). Collection method: clinical testing. Allele origin: germline. Affected: yes.
Comment: This variant is considered likely benign or benign based on one or more of the following criteria: it is a conservative change, it occurs at a poorly conserved position in the protein, it is predicted to be benign by multiple in silico algorithms, and/or has population frequency not consistent with disease.

Breakthrough Genomics
Classification: Benign. Review status: criteria provided, single submitter. Criteria: ACMG Guidelines, 2015. Collection method: not provided. Allele origin: germline. Inheritance: Autosomal recessive inheritance. Affected: yes.